The following is an entry in ClinVar:

NM_000787.4(DBH):c.747C>T (p.Tyr249=)

Gene: DBH (dopamine beta-hydroxylase; plus strand). Cytogenetic location: 9q34.2.
Variant type: single nucleotide variant.
Coding change: c.747C>T on transcript NM_000787.4 (MANE Select); coding-DNA position 747, C replaced by T.
Protein change: p.Tyr249=; no amino-acid change (tyrosine 249 retained).
Molecular consequence: synonymous variant.
Genome position (GRCh38, 1-based): chr9:133,643,415, C>T. VCF-style: chr9-133643415-C-T. GRCh37 (hg19) VCF-style: chr9-136508537-C-T.
Identifiers: ClinVar variation 365645 (VCV000365645.40), dbSNP rs35465867, ClinGen allele CA5313190.
Genomic context (GRCh38, chr9:133,643,415, plus strand): 5'-GCTGGGGAGGGGAGGGTGGGCGGCCGGTTCCCGGGCTCAGAGGGCTGCCTCCTCACAGTA[C>T]GAGCCCATCGTCACCAAGGGCAATGAGGCCCTTGTCCACCACATGGAAGTCTTCCAGTGC-3'
Protein context (NP_000778.3, residues 239-259): KGFSRHHIIK[Tyr249=]EPIVTKGNEA

ClinVar aggregate classification (germline): Benign/Likely benign. Review status: criteria provided, multiple submitters, no conflicts (2 of 4 stars). 4 submissions from 4 submitters: Benign (1); Likely benign (3). Last evaluated 2026-07-01.

Conditions:
Orthostatic hypotension 1 (ORTHYP1). Also called: Dopamine beta-hydroxylase deficiency; Orthostatic hypotension 1, due to DBH deficiency; NORADRENALINE DEFICIENCY; NOREPINEPHRINE DEFICIENCY. Identifiers: Orphanet 230, MedGen C4746777, MONDO:0009123, OMIM 223360.

Allele frequency attached by ClinVar (database versions not stated): TOPMed 0.00188; 1000 Genomes Project 30x 0.00203; ESP Exome Variant Server 0.00215; 1000 Genomes Project 0.00220; gnomAD exomes 0.00324 and 0.00448; ExAC 0.00407; gnomAD 0.00412 and 0.00428.
gnomAD v4.1: 5,334 of 1,613,778 alleles (0.33%); highest among the groups gnomAD compares: Non-Finnish European, 0.28%; 29 homozygotes.

Submissions (4):

CeGaT Center for Human Genetics Tuebingen
Classification: Likely benign. Last evaluated: 2026-07-01. Review status: criteria provided, single submitter. Criteria: CeGaT Center For Human Genetics Tuebingen Variant Classification Criteria Version 2. Collection method: clinical testing. Allele origin: germline. Affected: yes. Observed: 3 variant alleles.
Comment: DBH: BP4, BP7

Labcorp Genetics (formerly Invitae), Labcorp
Classification: Benign for Orthostatic hypotension 1. Last evaluated: 2026-01-24. Review status: criteria provided, single submitter. Criteria: Invitae Variant Classification Sherloc (09022015). Collection method: clinical testing. Allele origin: germline.

Blueprint Genetics
Classification: Likely benign. Last evaluated: 2024-11-22. Review status: criteria provided, single submitter. Criteria: ACMG Guidelines, 2015. Collection method: clinical testing. Allele origin: germline.

Illumina Laboratory Services, Illumina
Classification: Likely benign for Orthostatic hypotension 1. Last evaluated: 2018-01-13. Review status: criteria provided, single submitter. Criteria: ICSL Variant Classification Criteria 13 December 2019. Collection method: clinical testing. Allele origin: germline.
Comment: This variant was observed in the ICSL laboratory as part of a predisposition screen in an ostensibly healthy population. It had not been previously curated by ICSL or reported in the Human Gene Mutation Database (HGMD: prior to June 1st, 2018), and was therefore a candidate for classification through an automated scoring system. Utilizing variant allele frequency, disease prevalence and penetrance estimates, and inheritance mode, an automated score was calculated to assess if this variant is too frequent to cause the disease. Based on the score and internal cut-off values, a variant classified as likely benign is not then subjected to further curation. The score for this variant resulted in a classification of likely benign for this disease.